The following is an entry in ClinVar:

ClinVar aggregate classification (germline): Pathogenic (1 of 4 stars; one submission).

Submission:

Labcorp Genetics (formerly Invitae), Labcorp
Classification: Pathogenic. Last evaluated: 2022-05-12. Review status: criteria provided, single submitter. Criteria: Invitae Variant Classification Sherloc (09022015). Collection method: clinical testing. Allele origin: germline.
Comment: This sequence change creates a premature translational stop signal (p.Pro1701Alafs*2) in the ALPK3 gene. It is expected to result in an absent or disrupted protein product. Loss-of-function variants in ALPK3 are known to be pathogenic (PMID: 21441111, 26846950, 27106955, 34263907). For these reasons, this variant has been classified as Pathogenic. This variant has not been reported in the literature in individuals affected with ALPK3-related conditions. This variant is not present in population databases (gnomAD no frequency).

Literature cited by the submitters: PubMed 21441111; PubMed 26846950; PubMed 27106955; PubMed 34263907.

NM_020778.5(ALPK3):c.4493dup (p.Pro1499fs)

Gene: ALPK3 (alpha kinase 3; plus strand). Cytogenetic location: 15q25.3.
Variant type: Duplication.
Coding change: c.4493dup on transcript NM_020778.5 (MANE Select); coding-DNA position 4493, one base duplicated (T; older notation c.4493dupT).
Protein change: p.Pro1499fs; shifts the reading frame from proline 1499.
Molecular consequence: frameshift variant.
Genome position (GRCh38, 1-based): chr15:84,863,634, T duplicated. VCF-style (leftmost placement, unchanged base first): chr15-84863633-G-GT. GRCh37 (hg19) VCF-style: chr15-85406864-G-GT.
Other names: short protein forms P1499fs.
Identifiers: ClinVar variation 1453301 (VCV001453301.6), dbSNP rs2141573395, ClinGen allele CA2573151214.
Genomic context (GRCh38, chr15:84,863,633, plus strand): 5'-AGTCGGGAGTACTGCAAAATCTTCGCAGCAGAAGCCCGGGCCGCGCCTGGCTTTGGGGAG[G>GT]TGCCTGAGTAAGTACGCAGCGAGGAGGACGTGCAGTGTGCAGCACTGTTGCCTTGGGCTT-3'